The following is an entry in ClinVar:

NM_013444.4(UBQLN2):c.1068C>A (p.Ala356=)

Gene: UBQLN2 (ubiquilin 2; plus strand). Cytogenetic location: Xp11.21.
Variant type: single nucleotide variant.
Coding change: c.1068C>A on transcript NM_013444.4 (MANE Select); coding-DNA position 1068, C replaced by A.
Protein change: p.Ala356=; no amino-acid change (alanine 356 retained).
Molecular consequence: synonymous variant.
Genome position (GRCh38, 1-based): chrX:56,564,941, C>A. VCF-style: chrX-56564941-C-A. GRCh37 (hg19) VCF-style: chrX-56591374-C-A.
Identifiers: ClinVar variation 2714065 (VCV002714065.5), dbSNP rs768376308, ClinGen allele CA10430122.

ClinVar aggregate classification (germline): Likely benign. Review status: criteria provided, single submitter (1 of 4 stars). 2 submissions from 2 submitters: Likely benign (1). 1 of the submissions does not count toward it. Last evaluated 2023-12-09.

Conditions:
UBQLN2-related disorder. Also called: UBQLN2-related condition.
Amyotrophic lateral sclerosis type 15. Also called: AMYOTROPHIC LATERAL SCLEROSIS 15 WITH FRONTOTEMPORAL DEMENTIA. Identifiers: Orphanet 803, MedGen C3275459, MONDO:0010459, OMIM 300857.

Submissions (2):

Labcorp Genetics (formerly Invitae), Labcorp
Classification: Likely benign for Amyotrophic lateral sclerosis type 15. Last evaluated: 2023-12-09. Review status: criteria provided, single submitter. Criteria: Invitae Variant Classification Sherloc (09022015). Collection method: clinical testing. Allele origin: germline.

PreventionGenetics, part of Exact Sciences
Classification: Likely benign for UBQLN2-related condition. Last evaluated: 2019-06-05. Review status: no assertion criteria provided. Collection method: clinical testing. Allele origin: germline. Not counted in ClinVar's aggregate classification.
Comment: This variant is classified as likely benign based on ACMG/AMP sequence variant interpretation guidelines (Richards et al. 2015 PMID: 25741868, with internal and published modifications).